The following is an entry in ClinVar:

ClinVar aggregate classification (germline): Uncertain significance. Review status: criteria provided, multiple submitters, no conflicts (2 of 4 stars). 2 submissions from 2 submitters: Uncertain significance (2). Last evaluated 2025-12-21.

Conditions:
Myopathy, congenital, with structured cores and z-line abnormalities. Also called: MULTIPLE STRUCTURED CORE DISEASE; CONGENITAL MYOPATHY 8. Identifiers: MedGen C5231445, MONDO:0032852, OMIM 618654.
Primary familial hypertrophic cardiomyopathy (HCM). Identifiers: Orphanet 99739, MedGen C0949658, MeSH D024741, MONDO:0024573. Inheritance: Various modes of inheritance.
Dilated cardiomyopathy 1AA (CMD1AA). Also called: CARDIOMYOPATHY, DILATED, 1AA, WITH OR WITHOUT LEFT VENTRICULAR NONCOMPACTION; CARDIOMYOPATHY, FAMILIAL HYPERTROPHIC, 23, WITH OR WITHOUT LEFT VENTRICULAR NONCOMPACTION; Cardiomyopathy, dilated, 1AA, with or without LVNC. Identifiers: Orphanet 154, MedGen C2677338, MONDO:0012808, OMIM 612158.

Allele frequency attached by ClinVar (database versions not stated): gnomAD 0.00003 and 0.00004; TOPMed 0.00001; ExAC 0.00002; gnomAD exomes 0.00004 and 0.00001.
gnomAD v4.1: 22 of 1,614,034 alleles (0.0014%); highest among the groups gnomAD compares: East Asian, 0.0022%; no homozygotes.

Submissions (2):

Labcorp Genetics (formerly Invitae), Labcorp
Classification: Uncertain significance for Primary familial hypertrophic cardiomyopathy; Dilated cardiomyopathy 1AA. Last evaluated: 2025-12-21. Review status: criteria provided, single submitter. Criteria: Invitae Variant Classification Sherloc (09022015). Collection method: clinical testing. Allele origin: germline.
Comment: This sequence change replaces arginine, which is basic and polar, with histidine, which is basic and polar, at codon 357 of the ACTN2 protein (p.Arg357His). This variant is present in population databases (rs730880041, gnomAD 0.04%). This variant has not been reported in the literature in individuals affected with ACTN2-related conditions. ClinVar contains an entry for this variant (Variation ID: 180258). Invitae Evidence Modeling of protein sequence and biophysical properties (such as structural, functional, and spatial information, amino acid conservation, physicochemical variation, residue mobility, and thermodynamic stability) indicates that this missense variant is expected to disrupt ACTN2 protein function with a positive predictive value of 80%. In summary, the available evidence is currently insufficient to determine the role of this variant in disease. Therefore, it has been classified as a Variant of Uncertain Significance.

Institute for Clinical Genetics, University Hospital TU Dresden, University Hospital TU Dresden
Classification: Uncertain significance for Myopathy, congenital, with structured cores and z-line abnormalities. Last evaluated: 2023-09-01. Review status: criteria provided, single submitter. Criteria: ACMG Guidelines, 2015. Collection method: clinical testing. Allele origin: germline. Affected: yes.
Comment: The missense variant in the ACTN2 gene (NM_001103.4: c.1070G>A, p.(Arg357His)) results in an amino acid exchange at position 357 in the corresponding protein due to a base exchange at position 1070 of the mRNA. This variant is classified 1-fold as a variant of unclear significance in the ClinVar database. Bioinformatic prediction algorithms rate the variant as unclear for protein function (REVEL score 0.628). In the gnomAD database, this variant has been found 4-fold heterozygous in healthy individuals. Missense variants have been reported in the literature in association with myopathies (PMID: 36116040), however, no study on this variant can be found to date. According to current ACMG recommendations for variant evaluation (PMID 25741868), the criterion PM2_SUP is fulfilled, resulting in an evaluation as a variant of unclear significance (ACMG class 3).

NM_001103.4(ACTN2):c.1070G>A (p.Arg357His)

Gene: ACTN2 (actinin alpha 2; plus strand). Cytogenetic location: 1q43.
Variant type: single nucleotide variant.
Coding change: c.1070G>A on transcript NM_001103.4 (MANE Select); coding-DNA position 1070, G replaced by A.
Protein change: p.Arg357His; replaces arginine 357 with histidine.
Molecular consequence: missense variant.
Genome position (GRCh38, 1-based): chr1:236,739,495, G>A. VCF-style: chr1-236739495-G-A. GRCh37 (hg19) VCF-style: chr1-236902795-G-A.
Other names: c.1070G>A, p.Arg357His (NM_001278343.2); c.446G>A, p.Arg149His (NM_001278344.2); short protein forms R357H, R149H.
Identifiers: ClinVar variation 180258 (VCV000180258.3), dbSNP rs730880041, ClinGen allele CA346152.